The following is an entry in ClinVar:

NC_000002.12:g.(?_232333830)_(232336640_?)del

Gene: DIS3L2 (DIS3 like 3'-5' exoribonuclease 2; plus strand). Cytogenetic location: 2q37.1.
Variant type: Deletion.
Identifiers: ClinVar variation 642641 (VCV000642641.2).

ClinVar aggregate classification (germline): Uncertain significance (1 of 4 stars; one submission).

Conditions:
Perlman syndrome (PRLMNS). Identifiers: Orphanet 2849, MedGen C0796113, MONDO:0009965, OMIM 267000.

Submission:

Labcorp Genetics (formerly Invitae), Labcorp
Classification: Uncertain significance for Renal hamartomas nephroblastomatosis and fetal gigantism. Last evaluated: 2019-10-20. Review status: criteria provided, single submitter. Criteria: Invitae Variant Classification Sherloc (09022015). Collection method: clinical testing. Allele origin: germline.
Comment: This variant is a gross deletion of the genomic region encompassing exons 17-21 of the DIS3L2 gene. The 5' boundary is likely confined to intron 16. The 3' end of this event is unknown as it extends through the termination codon beyond the assayed region for this gene and may encompass additional genes. While this deletion is not anticipated to result in nonsense mediated decay, it is expected to create a truncated protein product or disrupt mRNA translation. This variant has not been reported in the literature in individuals with DIS3L2-related disease. In summary, the available evidence is currently insufficient to determine the role of this variant in disease. Therefore, it has been classified as a Variant of Uncertain Significance.